The following is an entry in ClinVar:

NM_001458.5(FLNC):c.125T>G (p.Phe42Cys)

Gene: FLNC (filamin C; plus strand). Cytogenetic location: 7q32.1.
Variant type: single nucleotide variant.
Coding change: c.125T>G on transcript NM_001458.5 (MANE Select); coding-DNA position 125, T replaced by G.
Protein change: p.Phe42Cys; replaces phenylalanine 42 with cysteine.
Molecular consequence: missense variant.
Genome position (GRCh38, 1-based): chr7:128,830,762, T>G. VCF-style: chr7-128830762-T-G. GRCh37 (hg19) VCF-style: chr7-128470816-T-G.
Other names: c.125T>G, p.Phe42Cys (NM_001127487.2); short protein forms F42C.
Identifiers: ClinVar variation 642140 (VCV000642140.16), dbSNP rs777706683, ClinGen allele CA369215877.
Genomic context (GRCh38, chr7:128,830,762, plus strand): 5'-CGTCCACGGAGAAGGACCTGGCGGAGGACGCGCCGTGGAAGAAGATCCAGCAGAACACAT[T>G]CACGCGCTGGTGCAATGAGCACCTCAAGTGCGTGGGCAAGCGCCTGACCGACCTGCAGCG-3'
Protein context (NP_001449.3, residues 32-52): APWKKIQQNT[Phe42Cys]TRWCNEHLKC

ClinVar aggregate classification (germline): Uncertain significance. Review status: criteria provided, multiple submitters, no conflicts (2 of 4 stars). 4 submissions from 4 submitters: Uncertain significance (4). Last evaluated 2025-11-03.

Conditions:
Myofibrillar myopathy 5. Also called: Filaminopathy (type); FILAMINOPATHY, AUTOSOMAL DOMINANT. Identifiers: Orphanet 171445, MedGen C1836050, MONDO:0012289, OMIM 609524.
Hypertrophic cardiomyopathy 26. Also called: Cardiomyopathy, familial hypertrophic, 26. Identifiers: Orphanet 75249, MedGen C4310749, MONDO:0014883, OMIM 617047.
Distal myopathy with posterior leg and anterior hand involvement. Also called: WILLIAMS DISTAL MYOPATHY. Identifiers: Orphanet 63273, MedGen C3279722, MONDO:0013550, OMIM 614065.
Cardiovascular phenotype. Identifiers: MedGen CN230736.

Allele frequency attached by ClinVar (database versions not stated): gnomAD exomes below 0.00001.
gnomAD v4.1: 5 of 1,613,182 alleles (0.00031%); highest among the groups gnomAD compares: Non-Finnish European, 0.00042%; no homozygotes.

Submissions (4):

Labcorp Genetics (formerly Invitae), Labcorp
Classification: Uncertain significance for Distal myopathy with posterior leg and anterior hand involvement; Myofibrillar myopathy 5; Hypertrophic cardiomyopathy 26. Last evaluated: 2025-11-03. Review status: criteria provided, single submitter. Criteria: Invitae Variant Classification Sherloc (09022015). Collection method: clinical testing. Allele origin: germline.
Comment: This sequence change replaces phenylalanine, which is neutral and non-polar, with cysteine, which is neutral and slightly polar, at codon 42 of the FLNC protein (p.Phe42Cys). This variant is not present in population databases (gnomAD no frequency). This variant has not been reported in the literature in individuals affected with FLNC-related conditions. ClinVar contains an entry for this variant (Variation ID: 642140). Invitae Evidence Modeling of protein sequence and biophysical properties (such as structural, functional, and spatial information, amino acid conservation, physicochemical variation, residue mobility, and thermodynamic stability) has been performed for this missense variant. However, the output from this modeling did not meet the statistical confidence thresholds required to predict the impact of this variant on FLNC protein function. In summary, the available evidence is currently insufficient to determine the role of this variant in disease. Therefore, it has been classified as a Variant of Uncertain Significance.

Ambry Genetics
Classification: Uncertain significance for Cardiovascular phenotype. Last evaluated: 2024-07-11. Review status: criteria provided, single submitter. Criteria: Ambry Variant Classification Scheme 2023. Collection method: clinical testing. Allele origin: germline.
Comment: The p.F42C variant (also known as c.125T>G), located in coding exon 1 of the FLNC gene, results from a T to G substitution at nucleotide position 125. The phenylalanine at codon 42 is replaced by cysteine, an amino acid with highly dissimilar properties. This amino acid position is highly conserved in available vertebrate species. In addition, this alteration is predicted to be deleterious by in silico analysis. Since supporting evidence is limited at this time, the clinical significance of this alteration remains unclear.

Blueprint Genetics
Classification: Uncertain significance. Last evaluated: 2024-04-25. Review status: criteria provided, single submitter. Criteria: ACMG Guidelines, 2015. Collection method: clinical testing. Allele origin: germline.

GeneDx
Classification: Uncertain significance. Last evaluated: 2022-05-13. Review status: criteria provided, single submitter. Criteria: GeneDx Variant Classification Process June 2021. Collection method: clinical testing. Allele origin: germline. Affected: yes.
Comment: Not observed at significant frequency in large population cohorts (gnomAD); In silico analysis supports that this missense variant has a deleterious effect on protein structure/function; Has not been previously published as pathogenic or benign to our knowledge